The following is an entry in ClinVar:

ClinVar aggregate classification (germline): Pathogenic. Review status: criteria provided, single submitter (1 of 4 stars). 2 submissions from 2 submitters: Pathogenic (1). 1 of the submissions does not count toward it. Last evaluated 2024-08-12.

Conditions:
Tuberous sclerosis syndrome (TSC). Also called: Tuberous Sclerosis Complex; Tuberous sclerosis. Identifiers: Orphanet 805, MedGen C0041341, MONDO:0001734.

Submissions (2):

Color Diagnostics, LLC DBA Color Health
Classification: Pathogenic for Tuberous sclerosis syndrome. Last evaluated: 2024-08-12. Review status: criteria provided, single submitter. Criteria: ACMG Guidelines, 2015. Collection method: clinical testing. Allele origin: germline.
Comment: This variant changes 1 nucleotide in exon 30/42 of the TSC2 gene, creating a premature translation stop signal. This variant is expected to result in an absent or non-functional protein product. To our knowledge, this variant has not been reported in individuals affected with TSC2-related disorders in the literature. This variant has not been identified in the general population by the Genome Aggregation Database (gnomAD). Loss of TSC2 function is a known mechanism of disease. Based on the available evidence, this variant is classified as Pathogenic.

Tuberous sclerosis database (TSC2)
No classification provided. Condition: TSC. Review status: no classification provided. Criteria: Tuberous Sclerosis Database Assertion Criteria 2015. Collection method: curation. Allele origin: germline. Affected: yes. Not counted in ClinVar's aggregate classification.

NM_000548.5(TSC2):c.3509C>G (p.Ser1170Ter)

Gene: TSC2 (TSC complex subunit 2; plus strand). Cytogenetic location: 16p13.3.
Variant type: single nucleotide variant.
Coding change: c.3509C>G on transcript NM_000548.5 (MANE Select); coding-DNA position 3509, C replaced by G.
Protein change: p.Ser1170Ter; replaces serine 1170 with a stop codon.
Molecular consequence: nonsense.
Genome position (GRCh38, 1-based): chr16:2,080,276, C>G. VCF-style: chr16-2080276-C-G. GRCh37 (hg19) VCF-style: chr16-2130277-C-G.
Other names: c.3377C>G, p.Ser1126Ter (NM_001077183.3, NM_001370404.1); c.3509C>G, p.Ser1170Ter (NM_001114382.3); c.3269C>G, p.Ser1090Ter (NM_001318827.2); c.3233C>G, p.Ser1078Ter (NM_001318829.2); c.2777C>G, p.Ser926Ter (NM_001318831.2); c.3410C>G, p.Ser1137Ter (NM_001318832.2); c.3380C>G, p.Ser1127Ter (NM_001363528.2, NM_001370405.1, NM_021055.3); short protein forms S1170*, S1127*, S1090*, S1126*, S1137*, S1078*, S926*.
Identifiers: ClinVar variation 49578 (VCV000049578.3), dbSNP rs45517296, ClinGen allele CA019240.